The following is an entry in ClinVar:

ClinVar aggregate classification (germline): Uncertain significance (1 of 4 stars; one submission).

Submission:

Labcorp Genetics (formerly Invitae), Labcorp
Classification: Uncertain significance. Last evaluated: 2024-01-09. Review status: criteria provided, single submitter. Criteria: Invitae Variant Classification Sherloc (09022015). Collection method: clinical testing. Allele origin: germline.
Comment: This sequence change replaces asparagine, which is neutral and polar, with histidine, which is basic and polar, at codon 421 of the IL23R protein (p.Asn421His). This variant is not present in population databases (gnomAD no frequency). This variant has not been reported in the literature in individuals affected with IL23R-related conditions. Algorithms developed to predict the effect of missense changes on protein structure and function output the following: SIFT: "Not Available"; PolyPhen-2: "Benign"; Align-GVGD: "Not Available". The histidine amino acid residue is found in multiple mammalian species, which suggests that this missense change does not adversely affect protein function. In summary, the available evidence is currently insufficient to determine the role of this variant in disease. Therefore, it has been classified as a Variant of Uncertain Significance.

NM_144701.3(IL23R):c.1261A>C (p.Asn421His)

Gene: IL23R (interleukin 23 receptor; plus strand). Cytogenetic location: 1p31.3.
Variant type: single nucleotide variant.
Coding change: c.1261A>C on transcript NM_144701.3 (MANE Select); coding-DNA position 1261, A replaced by C.
Protein change: p.Asn421His; replaces asparagine 421 with histidine.
Molecular consequence: missense variant.
Genome position (GRCh38, 1-based): chr1:67,258,499, A>C. VCF-style: chr1-67258499-A-C. GRCh37 (hg19) VCF-style: chr1-67724182-A-C.
Other names: short protein forms N421H.
Identifiers: ClinVar variation 2708395 (VCV002708395.3), dbSNP rs2525560825, ClinGen allele CA340727719.
Genomic context (GRCh38, chr1:67,258,499, plus strand): 5'-ATGTCTTTTGCAAAATAAAATGATGTCTTTTTTTCCTAGGAAAATAGTGAACTTATGAAT[A>C]ATAATTCCAGTGAGCAGGTCCTATATGTTGATCCCATGATTACAGAGATAAAAGAAATCT-3'
Protein context (NP_653302.2, residues 411-431): MLQENSELMN[Asn421His]NSSEQVLYVD